The following is an entry in ClinVar:

ClinVar aggregate classification (germline): Likely benign. Review status: criteria provided, multiple submitters, no conflicts (2 of 4 stars). 4 submissions from 4 submitters: Likely benign (4). Last evaluated 2026-07-27.

Conditions:
SCN9A-related disorder. Also called: SCN9A-related condition; SCN9A-related disorders.
Generalized epilepsy with febrile seizures plus, type 7 (GEFSP7). Also called: GEFS+, TYPE 7. Identifiers: Orphanet 36387, MedGen C2751778, MONDO:0013470, OMIM 613863.
Neuropathy, hereditary sensory and autonomic, type 2A (HSAN2A). Also called: ACROOSTEOLYSIS, GIACCAI TYPE; ACROOSTEOLYSIS, NEUROGENIC; MORVAN DISEASE; NEUROPATHY, CONGENITAL SENSORY; NEUROPATHY, HEREDITARY SENSORY RADICULAR, AUTOSOMAL RECESSIVE; NEUROPATHY, HEREDITARY SENSORY, TYPE IIA. Identifiers: Orphanet 970, MedGen C2752089, MONDO:0024309, OMIM 201300.

Allele frequency attached by ClinVar (database versions not stated): gnomAD 0.00001; TOPMed 0.00002; gnomAD exomes 0.00008.
gnomAD v4.1: 116 of 1,592,126 alleles (0.0073%); highest among the groups gnomAD compares: Non-Finnish European, 0.0097%; no homozygotes.

Submissions (4):

PreventionGenetics, part of Exact Sciences
Classification: Likely benign for SCN9A-related condition. Last evaluated: 2026-07-27. Review status: criteria provided, single submitter. Criteria: ACMG Guidelines, 2015. Collection method: clinical testing. Allele origin: germline.
Comment: This variant is classified as likely benign based on ACMG/AMP sequence variant interpretation guidelines (Richards et al. 2015 PMID: 25741868, with internal and published modifications).

Labcorp Genetics (formerly Invitae), Labcorp
Classification: Likely benign for Neuropathy, hereditary sensory and autonomic, type 2A; Generalized epilepsy with febrile seizures plus, type 7. Last evaluated: 2026-01-28. Review status: criteria provided, single submitter. Criteria: Invitae Variant Classification Sherloc (09022015). Collection method: clinical testing. Allele origin: germline.

Blueprint Genetics
Classification: Likely benign. Last evaluated: 2022-06-10. Review status: criteria provided, single submitter. Criteria: ACMG Guidelines, 2015. Collection method: clinical testing. Allele origin: germline.

ARUP Laboratories, Molecular Genetics and Genomics, ARUP Laboratories
Classification: Likely benign. Last evaluated: 2022-02-07. Review status: criteria provided, single submitter. Criteria: ARUP Molecular Germline Variant Investigation Process 2021. Collection method: clinical testing. Allele origin: germline.

NM_001365536.1(SCN9A):c.2277A>G (p.Leu759=)

Genes: SCN1A-AS1 (SCN1A and SCN9A antisense RNA 1; plus strand), SCN9A (sodium voltage-gated channel alpha subunit 9; minus strand). Cytogenetic location: 2q24.3.
Variant type: single nucleotide variant.
Coding change: c.2277A>G on transcript NM_001365536.1 (MANE Select); coding-DNA position 2277, A replaced by G.
Protein change: p.Leu759=; no amino-acid change (leucine 759 retained).
Molecular consequence: synonymous variant.
Genome position (GRCh38, 1-based): chr2:166,280,423, T>C on the plus strand (A>G on the coding strand, the complement: SCN9A is on the minus strand). VCF-style: chr2-166280423-T-C. GRCh37 (hg19) VCF-style: chr2-167136933-T-C.
Other names: c.2244A>G, p.Leu748= (NM_002977.4).
Identifiers: ClinVar variation 1101336 (VCV001101336.17), dbSNP rs201650761, ClinGen allele CA59796596.